The following is an entry in ClinVar:

ClinVar aggregate classification (germline): Uncertain significance. Review status: criteria provided, multiple submitters, no conflicts (2 of 4 stars). 2 submissions from 2 submitters: Uncertain significance (2). Last evaluated 2024-06-28.

Conditions:
Inborn genetic diseases. Identifiers: MedGen C0950123, MeSH D030342.

Allele frequency attached by ClinVar (database versions not stated): 1000 Genomes Project 30x 0.00016; 1000 Genomes Project 0.00020; TOPMed 0.00056; gnomAD 0.00064 and 0.00066; gnomAD exomes 0.00068 and 0.00089; ExAC 0.00077; ESP Exome Variant Server 0.00092.
gnomAD v4.1: 1,380 of 1,610,460 alleles (0.086%); highest among the groups gnomAD compares: Non-Finnish European, 0.11%; 2 homozygotes.

Submissions (2):

Ambry Genetics
Classification: Uncertain significance for Inborn genetic diseases. Last evaluated: 2024-06-28. Review status: criteria provided, single submitter. Criteria: Ambry Variant Classification Scheme 2023. Collection method: clinical testing. Allele origin: germline.

Labcorp Genetics (formerly Invitae), Labcorp
Classification: Uncertain significance. Last evaluated: 2024-01-04. Review status: criteria provided, single submitter. Criteria: Invitae Variant Classification Sherloc (09022015). Collection method: clinical testing. Allele origin: germline.
Comment: This sequence change replaces isoleucine, which is neutral and non-polar, with valine, which is neutral and non-polar, at codon 447 of the POP1 protein (p.Ile447Val). This variant is present in population databases (rs149039184, gnomAD 0.1%), and has an allele count higher than expected for a pathogenic variant. This variant has not been reported in the literature in individuals affected with POP1-related conditions. ClinVar contains an entry for this variant (Variation ID: 1467227). An algorithm developed to predict the effect of missense changes on protein structure and function (PolyPhen-2) suggests that this variant¬†is likely to be tolerated. In summary, the available evidence is currently insufficient to determine the role of this variant in disease. Therefore, it has been classified as a Variant of Uncertain Significance.

NM_001145860.2(POP1):c.1339A>G (p.Ile447Val)

Gene: POP1 (POP1 homolog, ribonuclease P/MRP subunit; plus strand). Cytogenetic location: 8q22.2.
Variant type: single nucleotide variant.
Coding change: c.1339A>G on transcript NM_001145860.2 (MANE Select); coding-DNA position 1339, A replaced by G.
Protein change: p.Ile447Val; replaces isoleucine 447 with valine.
Molecular consequence: missense variant.
Genome position (GRCh38, 1-based): chr8:98,136,931, A>G. VCF-style: chr8-98136931-A-G. GRCh37 (hg19) VCF-style: chr8-99149159-A-G.
Other names: c.1339A>G, p.Ile447Val (NM_001145861.2, NM_015029.3); c.1339A>G (NM_015029.2); short protein forms I447V.
Identifiers: ClinVar variation 1467227 (VCV001467227.6), dbSNP rs149039184, ClinGen allele CA4820549.